The following is an entry in ClinVar:

NM_003005.4(SELP):c.2266A>C (p.Thr756Pro)

Gene: SELP (selectin P; minus strand). Cytogenetic location: 1q24.2.
Variant type: single nucleotide variant.
Coding change: c.2266A>C on transcript NM_003005.4 (MANE Select); coding-DNA position 2266, A replaced by C.
Protein change: p.Thr756Pro; replaces threonine 756 with proline.
Molecular consequence: missense variant.
Genome position (GRCh38, 1-based): chr1:169,594,713, T>G on the plus strand (A>C on the coding strand, the complement: SELP is on the minus strand). VCF-style: chr1-169594713-T-G. GRCh37 (hg19) VCF-style: chr1-169563951-T-G.
Other names: T715P; c.2266A>C (NM_003005.3); short protein forms T756P.
Identifiers: ClinVar variation 13527 (VCV000013527.5), dbSNP rs6136, ClinGen allele CA123169.

ClinVar aggregate classification (germline): Benign. Review status: criteria provided, single submitter (1 of 4 stars). 3 submissions from 3 submitters: Benign (1). 2 of the submissions do not count toward it.

Conditions:
SELP POLYMORPHISM.
SELP-related disorder. Also called: SELP-related condition.

Allele frequency attached by ClinVar (database versions not stated): 1000 Genomes Project 0.03594; TOPMed 0.06843; gnomAD 0.07559 and 0.07414; 1000 Genomes Project 30x 0.03701; ExAC 0.08208; gnomAD exomes 0.08212.
gnomAD v4.1: 156,500 of 1,613,462 alleles (9.7%); highest among the groups gnomAD compares: Non-Finnish European, 11%; 8,585 homozygotes.

Submissions (3):

Breakthrough Genomics
Classification: Benign. Review status: criteria provided, single submitter. Criteria: ACMG Guidelines, 2015. Collection method: not provided. Allele origin: germline. Inheritance: Unknown mechanism. Affected: yes.

PreventionGenetics, part of Exact Sciences
Classification: Benign for SELP-related condition. Last evaluated: 2019-11-15. Review status: no assertion criteria provided. Collection method: clinical testing. Allele origin: germline. Not counted in ClinVar's aggregate classification.
Comment: This variant is classified as benign based on ACMG/AMP sequence variant interpretation guidelines (Richards et al. 2015 PMID: 25741868, with internal and published modifications).

OMIM
Classification: Benign for SELP POLYMORPHISM. Last evaluated: 1998-08-01. Review status: no assertion criteria provided. Collection method: literature only. Allele origin: germline. Not counted in ClinVar's aggregate classification.

Literature cited by the submitters: PubMed 9668170 (cited by OMIM).